The following is an entry in ClinVar:

NM_000313.4(PROS1):c.1991dup (p.His664fs)

Gene: PROS1 (protein S; minus strand). Cytogenetic location: 3q11.1.
Variant type: Duplication.
Coding change: c.1991dup on transcript NM_000313.4 (MANE Select); coding-DNA position 1991, one base duplicated (A; older notation c.1991dupA).
Protein change: p.His664fs; shifts the reading frame from histidine 664.
Molecular consequence: frameshift variant.
Genome position (GRCh38, 1-based): chr3:93,874,285, T duplicated on the plus strand (A on the coding strand, the reverse complement: PROS1 is on the minus strand). VCF-style (leftmost placement, unchanged base first): chr3-93874284-G-GT. GRCh37 (hg19) VCF-style: chr3-93593128-G-GT.
Other names: c.1991dupA (NM_000313.3); c.2087dup, p.His696fs (NM_001314077.2); short protein forms H664fs, H696fs.
Identifiers: ClinVar variation 472998 (VCV000472998.5), dbSNP rs1553808038, ClinGen allele CA658657323.

ClinVar aggregate classification (germline): Pathogenic (1 of 4 stars; one submission).

Conditions:
Thrombophilia due to protein S deficiency, autosomal recessive (THPH6). Identifiers: Orphanet 743, MedGen C3281092, MONDO:0013791, OMIM 614514. Disease mechanism: loss of function.

Submission:

Labcorp Genetics (formerly Invitae), Labcorp
Classification: Pathogenic for Thrombophilia due to protein S deficiency, autosomal recessive. Last evaluated: 2022-10-28. Review status: criteria provided, single submitter. Criteria: Invitae Variant Classification Sherloc (09022015). Collection method: clinical testing. Allele origin: germline.
Comment: For these reasons, this variant has been classified as Pathogenic. This variant disrupts a region of the PROS1 protein in which other variant(s) (p.Pro667Leu) have been determined to be pathogenic (PMID: 10790208, 20181378, 29748776, 30669159; Invitae). This suggests that this is a clinically significant region of the protein, and that variants that disrupt it are likely to be disease-causing. ClinVar contains an entry for this variant (Variation ID: 472998). This variant has not been reported in the literature in individuals affected with PROS1-related conditions. This variant is not present in population databases (gnomAD no frequency). This sequence change results in a frameshift in the PROS1 gene (p.His664Glnfs*35). While this is not anticipated to result in nonsense mediated decay, it is expected to disrupt the last 13 amino acid(s) of the PROS1 protein and extend the protein by 21 additional amino acid residues.

Literature cited by the submitters: PubMed 10790208; PubMed 20181378; PubMed 29748776; PubMed 30669159.